The following is an entry in ClinVar:

NM_001365276.2(TNXB):c.6872C>T (p.Ala2291Val)

Gene: TNXB (tenascin XB; minus strand). Cytogenetic location: 6p21.33.
Variant type: single nucleotide variant.
Coding change: c.6872C>T on transcript NM_001365276.2 (MANE Select); coding-DNA position 6872, C replaced by T.
Protein change: p.Ala2291Val; replaces alanine 2291 with valine.
Molecular consequence: missense variant.
Genome position (GRCh38, 1-based): chr6:32,062,453, G>A on the plus strand (C>T on the coding strand, the complement: TNXB is on the minus strand). VCF-style: chr6-32062453-G-A. GRCh37 (hg19) VCF-style: chr6-32030230-G-A.
Other names: c.7613C>T, p.Ala2538Val (NM_001428335.1); c.6872C>T, p.Ala2291Val (NM_019105.8); short protein forms A2538V, A2291V.
Identifiers: ClinVar variation 3972016 (VCV003972016.1).

ClinVar aggregate classification (germline): Uncertain significance (1 of 4 stars; one submission).

Conditions:
Cardiovascular phenotype. Identifiers: MedGen CN230736.

gnomAD v4.1: 2 of 1,608,624 alleles (0.00012%); highest among the groups gnomAD compares: Non-Finnish European, 0.000085%; no homozygotes.

Submission:

Ambry Genetics
Classification: Uncertain significance for Cardiovascular phenotype. Last evaluated: 2025-05-03. Review status: criteria provided, single submitter. Criteria: Ambry Variant Classification Scheme 2023. Collection method: clinical testing. Allele origin: germline.
Comment: The p.A2291V variant (also known as c.6872C>T), located in coding exon 19 of the TNXB gene, results from a C to T substitution at nucleotide position 6872. The alanine at codon 2291 is replaced by valine, an amino acid with similar properties. This amino acid position is conserved. In addition, this alteration is predicted to be tolerated by in silico analysis. Based on the available evidence, the clinical significance of this variant remains unclear.